The following is an entry in ClinVar:

ClinVar aggregate classification (germline): Uncertain significance (1 of 4 stars; one submission).

Conditions:
Peroxisome biogenesis disorder. Identifiers: Orphanet 79189, MedGen C1832200, MONDO:0019234. Disease mechanism: loss of function.

Submission:

Labcorp Genetics (formerly Invitae), Labcorp
Classification: Uncertain significance for Peroxisome biogenesis disorder. Last evaluated: 2021-09-18. Review status: criteria provided, single submitter. Criteria: Invitae Variant Classification Sherloc (09022015). Collection method: clinical testing. Allele origin: germline.
Comment: This sequence change replaces aspartic acid with asparagine at codon 634 of the PEX6 protein (p.Asp634Asn). The aspartic acid residue is highly conserved and there is a small physicochemical difference between aspartic acid and asparagine. This variant is not present in population databases (ExAC no frequency). This variant has not been reported in the literature in individuals affected with PEX6-related conditions. Algorithms developed to predict the effect of missense changes on protein structure and function are either unavailable or do not agree on the potential impact of this missense change (SIFT: "Deleterious"; PolyPhen-2: "Probably Damaging"; Align-GVGD: "Class C0"). In summary, the available evidence is currently insufficient to determine the role of this variant in disease. Therefore, it has been classified as a Variant of Uncertain Significance.

NM_000287.4(PEX6):c.1900G>A (p.Asp634Asn)

Gene: PEX6 (peroxisomal biogenesis factor 6; minus strand). Cytogenetic location: 6p21.1.
Variant type: single nucleotide variant.
Coding change: c.1900G>A on transcript NM_000287.4 (MANE Select); coding-DNA position 1900, G replaced by A.
Protein change: p.Asp634Asn; replaces aspartic acid 634 with asparagine.
Molecular consequence: missense variant. On other transcripts: non-coding transcript variant (1).
Genome position (GRCh38, 1-based): chr6:42,966,843, C>T on the plus strand (G>A on the coding strand, the complement: PEX6 is on the minus strand). VCF-style: chr6-42966843-C-T. GRCh37 (hg19) VCF-style: chr6-42934581-C-T.
Other names: c.1636G>A, p.Asp546Asn (NM_001316313.2); short protein forms D634N, D546N.
Identifiers: ClinVar variation 1520140 (VCV001520140.6), dbSNP rs2114241000, ClinGen allele CA364153246.
Genomic context (GRCh38, chr6:42,966,843, plus strand): 5'-CTGAGTTCTTGATCCTGGTGCAGGCTGCCCGGCTGCTGTGGGTCAGAAGGGCATAGAGAT[C>T]CCCTACCACAAAGCCCTAGGGAACCACAGGAAAGGACACATGAGCAGGGCACAGTAGGCA-3'
Protein context (NP_000278.3, residues 624-644): ARRCAGFVVG[Asp634Asn]LYALLTHSSR